The following is an entry in ClinVar:

ClinVar aggregate classification (germline): Likely benign (1 of 4 stars; one submission).

gnomAD v4.1: 15 of 1,613,994 alleles (0.00093%); highest among the groups gnomAD compares: Non-Finnish European, 0.0013%; no homozygotes.

Submission:

CeGaT Center for Human Genetics Tuebingen
Classification: Likely benign. Last evaluated: 2025-03-01. Review status: criteria provided, single submitter. Criteria: CeGaT Center For Human Genetics Tuebingen Variant Classification Criteria Version 2. Collection method: clinical testing. Allele origin: germline. Affected: yes. Observed: 1 variant allele.
Comment: ARHGEF10: BP4, BP7

NM_014629.4(ARHGEF10):c.2319G>A (p.Lys773=)

Gene: ARHGEF10 (Rho guanine nucleotide exchange factor 10; plus strand). Cytogenetic location: 8p23.3.
Variant type: single nucleotide variant.
Coding change: c.2319G>A on transcript NM_014629.4 (MANE Select); coding-DNA position 2319, G replaced by A.
Protein change: p.Lys773=; no amino-acid change (lysine 773 retained).
Molecular consequence: synonymous variant.
Genome position (GRCh38, 1-based): chr8:1,923,527, G>A. VCF-style: chr8-1923527-G-A. GRCh37 (hg19) VCF-style: chr8-1871693-G-A.
Other names: c.2205G>A, p.Lys735= (NM_001308152.2); c.2319G>A, p.Lys773= (NM_001308153.3).
Identifiers: ClinVar variation 3778320 (VCV003778320.7).